The following is an entry in ClinVar:

NC_000003.12:g.169764763C>T

Genes: TERC (telomerase RNA component; minus strand), LOC110806306 (telomerase RNA component (TERC) promoter; plus strand). Cytogenetic location: 3q26.2.
Variant type: single nucleotide variant.
Genome position: GRCh38 VCF-style: chr3-169764763-C-T. GRCh37 (hg19) VCF-style: chr3-169482551-C-T.
Identifiers: ClinVar variation 1356806 (VCV001356806.8), dbSNP rs2108182936, ClinGen allele CA436715119.

ClinVar aggregate classification (germline): Uncertain significance (1 of 4 stars; one submission).

Conditions:
Dyskeratosis congenita, autosomal dominant 1 (DKCA1). Also called: Dyskeratosis congenita Scoggins type. Identifiers: Orphanet 1775, MedGen C4551974, MONDO:0007485, OMIM 127550. Inheritance: Variable.

Submission:

Labcorp Genetics (formerly Invitae), Labcorp
Classification: Uncertain significance for Dyskeratosis congenita, autosomal dominant 1. Last evaluated: 2021-06-08. Review status: criteria provided, single submitter. Criteria: Invitae Variant Classification Sherloc (09022015). Collection method: clinical testing. Allele origin: germline.
Comment: This variant is located within the conserved regions 4 and 5 (CR4-CR5) domain of the TERC RNA component, which is required for telomerase activity (PMID: 15082312, 21844345). Functional studies testing the effect of this variant on TERC secondary structure or function have not been reported. In summary, the available evidence is currently insufficient to determine the role of this variant in disease. Therefore, it has been classified as a Variant of Uncertain Significance. This variant has not been reported in the literature in individuals with TERC-related conditions. This variant is not present in population databases (ExAC no frequency). This variant occurs in the TERC gene, which encodes an RNA molecule that does not result in a protein product.

Literature cited by the submitters: PubMed 15082312; PubMed 21844345.